The following is an entry in ClinVar:

NM_178857.6(RP1L1):c.110C>A (p.Thr37Asn)

Gene: RP1L1 (RP1 like 1). Cytogenetic location: 8p23.1.
Variant type: single nucleotide variant.
Coding change: c.110C>A on transcript NM_178857.6 (MANE Select); coding-DNA position 110, C replaced by A.
Protein change: p.Thr37Asn; replaces threonine 37 with asparagine.
Molecular consequence: missense variant.
Genome position (GRCh38, 1-based): chr8:10,623,092, G>T on the plus strand (C>A on the coding strand, the complement: RP1L1 is on the minus strand). VCF-style: chr8-10623092-G-T. GRCh37 (hg19) VCF-style: chr8-10480602-G-T.
Other names: short protein forms T37N.
Identifiers: ClinVar variation 3616560 (VCV003616560.2).
Genomic context (GRCh38, chr8:10,623,092, plus strand): 5'-GCGCGCTGGTGAACGGCCAGGCGGACCCCAGCAAACCGTGGATCCCCTCGCTTGAGGAAG[G>T]TGATCTTCTTGGCTGGCGTGACCTTGGTGACCGAGGGGGTGCGAGCCACAGAGGGCAGGA-3'
Protein context (NP_849188.4, residues 27-47): VTKVTPAKKI[Thr37Asn]FLKRGDPRFA

ClinVar aggregate classification (germline): Uncertain significance (1 of 4 stars; one submission).

gnomAD v4.1: 4 of 1,613,982 alleles (0.00025%); highest among the groups gnomAD compares: South Asian, 0.0011%; no homozygotes.

Submission:

Labcorp Genetics (formerly Invitae), Labcorp
Classification: Uncertain significance. Last evaluated: 2024-12-08. Review status: criteria provided, single submitter. Criteria: Invitae Variant Classification Sherloc (09022015). Collection method: clinical testing. Allele origin: germline.
Comment: This sequence change replaces threonine, which is neutral and polar, with asparagine, which is neutral and polar, at codon 37 of the RP1L1 protein (p.Thr37Asn). This variant is not present in population databases (gnomAD no frequency). This variant has not been reported in the literature in individuals affected with RP1L1-related conditions. Invitae Evidence Modeling of protein sequence and biophysical properties (such as structural, functional, and spatial information, amino acid conservation, physicochemical variation, residue mobility, and thermodynamic stability) has been performed for this missense variant. However, the output from this modeling did not meet the statistical confidence thresholds required to predict the impact of this variant on RP1L1 protein function. In summary, the available evidence is currently insufficient to determine the role of this variant in disease. Therefore, it has been classified as a Variant of Uncertain Significance.